The following is an entry in ClinVar:

NM_024596.5(MCPH1):c.444T>G (p.Asp148Glu)

Gene: MCPH1 (microcephalin 1; plus strand). Cytogenetic location: 8p23.1.
Variant type: single nucleotide variant.
Coding change: c.444T>G on transcript NM_024596.5 (MANE Select); coding-DNA position 444, T replaced by G.
Protein change: p.Asp148Glu; replaces aspartic acid 148 with glutamic acid.
Molecular consequence: missense variant. On other transcripts: non-coding transcript variant (1), intron variant (1).
Genome position (GRCh38, 1-based): chr8:6,438,960, T>G. VCF-style: chr8-6438960-T-G. GRCh37 (hg19) VCF-style: chr8-6296481-T-G.
Other names: c.444T>G (NM_001322042.1, NM_024596.3); c.444T>G, p.Asp148Glu (NM_001172574.2, NM_001322042.2, NM_001363979.1 and 1 more transcripts); c.438T>G, p.Asp146Glu (NM_001322043.2); c.342T>G, p.Asp114Glu (NM_001322045.2); c.436+2798T>G (NM_001172575.2); short protein forms D114E, D146E, D148E.
Identifiers: ClinVar variation 1571167 (VCV001571167.11), dbSNP rs200828507, ClinGen allele CA4610251.
Genomic context (GRCh38, chr8:6,438,960, plus strand): 5'-TGAAGTATGAAGGCACTTTTTGGTCTTAAAGTGGATTTTTTGTTTATTTTCAGATGATGA[T>G]GTACCTATTCTCTTATTTGAATCTAATGGTTCATTAATATATACTCCCACAATTGAAATT-3'
Protein context (NP_078872.3, residues 138-158): LQRQKTNLDD[Asp148Glu]VPILLFESNG

ClinVar aggregate classification (germline): Benign/Likely benign. Review status: criteria provided, multiple submitters, no conflicts (2 of 4 stars). 3 submissions from 3 submitters: Benign (1); Likely benign (1). 1 of the submissions does not count toward it. Last evaluated 2026-01-26.

Conditions:
MCPH1-related disorder. Also called: MCPH1-related condition.
Inborn genetic diseases. Identifiers: MedGen C0950123, MeSH D030342.

Allele frequency attached by ClinVar (database versions not stated): gnomAD 0.00001 and 0.00014; TOPMed 0.00002; gnomAD exomes 0.00022 and 0.00040; ExAC 0.00045; 1000 Genomes Project 0.00160; 1000 Genomes Project 30x 0.00172.
gnomAD v4.1: 333 of 1,612,252 alleles (0.021%); highest among the groups gnomAD compares: South Asian, 0.35%; 3 homozygotes.

Submissions (3):

Labcorp Genetics (formerly Invitae), Labcorp
Classification: Benign. Last evaluated: 2026-01-26. Review status: criteria provided, single submitter. Criteria: Invitae Variant Classification Sherloc (09022015). Collection method: clinical testing. Allele origin: germline.

Ambry Genetics
Classification: Likely benign for Inborn genetic diseases. Last evaluated: 2024-08-07. Review status: criteria provided, single submitter. Criteria: Ambry Variant Classification Scheme 2023. Collection method: clinical testing. Allele origin: germline.

PreventionGenetics, part of Exact Sciences
Classification: Likely benign for MCPH1-related condition. Last evaluated: 2020-10-27. Review status: no assertion criteria provided. Collection method: clinical testing. Allele origin: germline. Not counted in ClinVar's aggregate classification.
Comment: This variant is classified as likely benign based on ACMG/AMP sequence variant interpretation guidelines (Richards et al. 2015 PMID: 25741868, with internal and published modifications).